The following is an entry in ClinVar:

ClinVar aggregate classification (germline): Uncertain significance (1 of 4 stars; one submission).

Submission:

Labcorp Genetics (formerly Invitae), Labcorp
Classification: Uncertain significance. Last evaluated: 2025-10-21. Review status: criteria provided, single submitter. Criteria: Invitae Variant Classification Sherloc (09022015). Collection method: clinical testing. Allele origin: germline.
Comment: This sequence change replaces glutamic acid, which is acidic and polar, with glycine, which is neutral and non-polar, at codon 1300 of the VCAN protein (p.Glu1300Gly). This variant is not present in population databases (gnomAD no frequency). This variant has not been reported in the literature in individuals affected with VCAN-related conditions. An algorithm developed to predict the effect of missense changes on protein structure and function (PolyPhen-2) suggests that this variant is likely to be disruptive. In summary, the available evidence is currently insufficient to determine the role of this variant in disease. Therefore, it has been classified as a Variant of Uncertain Significance.

NM_004385.5(VCAN):c.3899A>G (p.Glu1300Gly)

Gene: VCAN (versican; plus strand). Cytogenetic location: 5q14.3.
Variant type: single nucleotide variant.
Coding change: c.3899A>G on transcript NM_004385.5 (MANE Select); coding-DNA position 3899, A replaced by G.
Protein change: p.Glu1300Gly; replaces glutamic acid 1300 with glycine.
Molecular consequence: missense variant. On other transcripts: intron variant (2).
Genome position (GRCh38, 1-based): chr5:83,522,205, A>G. VCF-style: chr5-83522205-A-G. GRCh37 (hg19) VCF-style: chr5-82818024-A-G.
Other names: c.3899A>G, p.Glu1300Gly (NM_001164098.2); c.1042+9809A>G (NM_001164097.2, NM_001126336.3); short protein forms E1300G.
Identifiers: ClinVar variation 4728305 (VCV004728305.1).